The following is an entry in ClinVar:

NM_000027.4(AGA):c.272T>C (p.Ile91Thr)

Gene: AGA (aspartylglucosaminidase; minus strand). Cytogenetic location: 4q34.3.
Variant type: single nucleotide variant.
Coding change: c.272T>C on transcript NM_000027.4 (MANE Select); coding-DNA position 272, T replaced by C.
Protein change: p.Ile91Thr; replaces isoleucine 91 with threonine.
Molecular consequence: missense variant. On other transcripts: non-coding transcript variant (1).
Genome position (GRCh38, 1-based): chr4:177,440,282, A>G on the plus strand (T>C on the coding strand, the complement: AGA is on the minus strand). VCF-style: chr4-177440282-A-G. GRCh37 (hg19) VCF-style: chr4-178361436-A-G.
Other names: c.272T>C, p.Ile91Thr (NM_001171988.2); short protein forms I91T.
Identifiers: ClinVar variation 4747385 (VCV004747385.1).

ClinVar aggregate classification (germline): Uncertain significance (1 of 4 stars; one submission).

Conditions:
Aspartylglucosaminuria (AGU). Also called: AGA DEFICIENCY; GLYCOASPARAGINASE; GLYCOSYLASPARAGINASE DEFICIENCY; Aspartylglucos-aminuria; Aspartylglucos-amidase (AGA) deficiency. Identifiers: Orphanet 93, MedGen C0268225, MONDO:0008830, OMIM 208400, HP:0012068.

Submission:

Labcorp Genetics (formerly Invitae), Labcorp
Classification: Uncertain significance for Aspartylglucosaminuria. Last evaluated: 2025-11-12. Review status: criteria provided, single submitter. Criteria: Invitae Variant Classification Sherloc (09022015). Collection method: clinical testing. Allele origin: germline.
Comment: This sequence change replaces isoleucine, which is neutral and non-polar, with threonine, which is neutral and polar, at codon 91 of the AGA protein (p.Ile91Thr). This variant is not present in population databases (gnomAD no frequency). This variant has not been reported in the literature in individuals affected with AGA-related conditions. Invitae Evidence Modeling of protein sequence and biophysical properties (such as structural, functional, and spatial information, amino acid conservation, physicochemical variation, residue mobility, and thermodynamic stability) indicates that this missense variant is expected to disrupt AGA protein function with a positive predictive value of 95%. In summary, the available evidence is currently insufficient to determine the role of this variant in disease. Therefore, it has been classified as a Variant of Uncertain Significance.